The following is an entry in ClinVar:

NM_001374736.1(DST):c.11836A>G (p.Ile3946Val)

Gene: DST (dystonin; minus strand). Cytogenetic location: 6p12.1.
Variant type: single nucleotide variant.
Coding change: c.11836A>G on transcript NM_001374736.1 (MANE Select); coding-DNA position 11836, A replaced by G.
Protein change: p.Ile3946Val; replaces isoleucine 3946 with valine.
Molecular consequence: missense variant.
Genome position (GRCh38, 1-based): chr6:56,598,568, T>C on the plus strand (A>G on the coding strand, the complement: DST is on the minus strand). VCF-style: chr6-56598568-T-C. GRCh37 (hg19) VCF-style: chr6-56463366-T-C.
Other names: c.5479A>G, p.Ile1827Val (NM_001144769.5); c.5065A>G, p.Ile1689Val (NM_001144770.2); c.11836A>G, p.Ile3946Val (NM_001374722.1); c.11203A>G, p.Ile3735Val (NM_001374729.1); c.4945A>G, p.Ile1649Val (NM_001374730.1, NM_001386100.1, NM_183380.4); c.11863A>G, p.Ile3955Val (NM_001374734.1); c.3967A>G, p.Ile1323Val (NM_015548.5); short protein forms I1649V, I1689V, I1827V, I3946V, I1323V, I3735V, I3955V.
Identifiers: ClinVar variation 1522681 (VCV001522681.6), dbSNP rs2152697888, ClinGen allele CA364529096.
Genomic context (GRCh38, chr6:56,598,568, plus strand): 5'-CAACTTTATCCAGCTCCTTTTTAGACTGTTCTGCTTTTAAATTAAGCTGTTCACACTTTA[T>C]CTTAGCTTCATTAAGTTTCTGTTCAATCAAAGCCTTATCTTCCTGTGACAGCTTTTCACC-3'
Protein context (NP_001361665.1, residues 3936-3956): LIEQKLNEAK[Ile3946Val]KCEQLNLKAE

ClinVar aggregate classification (germline): Uncertain significance (1 of 4 stars; one submission).

Conditions:
Hereditary sensory and autonomic neuropathy type 6. Also called: HSAN VI; Neuropathy, hereditary sensory and autonomic, type VI. Identifiers: Orphanet 314381, MedGen C3539003, MONDO:0013839, OMIM 614653.
Epidermolysis bullosa simplex 3, localized or generalized intermediate, with BP230 deficiency (EBS3). Also called: Epidermolysis bullosa simplex due to BP230 deficiency; Epidermolysis bullosa simplex, autosomal recessive 2. Identifiers: Orphanet 412181, MedGen C3809470, MONDO:0014180, OMIM 615425.

Submission:

Labcorp Genetics (formerly Invitae), Labcorp
Classification: Uncertain significance for Epidermolysis bullosa simplex 3, localized or generalized intermediate, with BP230 deficiency; Hereditary sensory and autonomic neuropathy type 6. Last evaluated: 2021-10-04. Review status: criteria provided, single submitter. Criteria: Invitae Variant Classification Sherloc (09022015). Collection method: clinical testing. Allele origin: germline.
Comment: In summary, the available evidence is currently insufficient to determine the role of this variant in disease. Therefore, it has been classified as a Variant of Uncertain Significance. Algorithms developed to predict the effect of sequence changes on RNA splicing suggest that this variant may create or strengthen a splice site. Experimental studies and prediction algorithms are not available or were not evaluated, and the functional significance of this variant is currently unknown. This variant has not been reported in the literature in individuals affected with DST-related conditions. This variant is not present in population databases (ExAC no frequency). This sequence change replaces isoleucine with valine at codon 1323 of the DST protein (p.Ile1323Val). The DST gene has multiple clinically relevant transcripts. This variant occurs in alternate transcript NM_015548.4, and corresponds to NM_001723.5:c.*16949A>G in the primary transcript.